The following is an entry in ClinVar:

ClinVar aggregate classification (germline): Uncertain significance (1 of 4 stars; one submission).

Allele frequency attached by ClinVar (database versions not stated): gnomAD 0.00001; TOPMed 0.00002.
gnomAD v4.1: 3 of 1,612,668 alleles (0.00019%); highest among the groups gnomAD compares: Admixed American, 0.0017%; no homozygotes.

Submission:

Labcorp Genetics (formerly Invitae), Labcorp
Classification: Uncertain significance. Last evaluated: 2024-12-02. Review status: criteria provided, single submitter. Criteria: Invitae Variant Classification Sherloc (09022015). Collection method: clinical testing. Allele origin: germline.
Comment: This sequence change replaces asparagine, which is neutral and polar, with lysine, which is basic and polar, at codon 1047 of the CACNA2D4 protein (p.Asn1047Lys). This variant is not present in population databases (gnomAD no frequency). This variant has not been reported in the literature in individuals affected with CACNA2D4-related conditions. ClinVar contains an entry for this variant (Variation ID: 1046305). An algorithm developed to predict the effect of missense changes on protein structure and function outputs the following: PolyPhen-2: "Benign". The lysine amino acid residue is found in multiple mammalian species, which suggests that this missense change does not adversely affect protein function. In summary, the available evidence is currently insufficient to determine the role of this variant in disease. Therefore, it has been classified as a Variant of Uncertain Significance.

NM_172364.5(CACNA2D4):c.3141C>G (p.Asn1047Lys)

Gene: CACNA2D4 (calcium voltage-gated channel auxiliary subunit alpha2delta 4; minus strand). Cytogenetic location: 12p13.33.
Variant type: single nucleotide variant.
Coding change: c.3141C>G on transcript NM_172364.5 (MANE Select); coding-DNA position 3141, C replaced by G.
Protein change: p.Asn1047Lys; replaces asparagine 1047 with lysine.
Molecular consequence: missense variant.
Genome position (GRCh38, 1-based): chr12:1,795,753, G>C on the plus strand (C>G on the coding strand, the complement: CACNA2D4 is on the minus strand). VCF-style: chr12-1795753-G-C. GRCh37 (hg19) VCF-style: chr12-1904919-G-C.
Other names: short protein forms N1047K.
Identifiers: ClinVar variation 1046305 (VCV001046305.6), dbSNP rs1863102949, ClinGen allele CA383348341.
Genomic context (GRCh38, chr12:1,795,753, plus strand): 5'-CACTGGTGGGAAGATGCTGCAGTCACAGGTGGGGTCTGTCACCAGGAGGAGGAGGTTACT[G>C]TTGGGAATCTGCTGCACCACAAATACCCTGCAGCAAAGAAAGGGAGTCGAGGATGGCTCC-3'
Protein context (NP_758952.4, residues 1037-1057): QKVFVVQQIP[Asn1047Lys]SNLLLLVTDP